The following is an entry in ClinVar:

NM_014363.6(SACS):c.2870del (p.Pro957fs)

Gene: SACS (sacsin molecular chaperone; minus strand). Cytogenetic location: 13q12.12.
Variant type: Deletion.
Coding change: c.2870del on transcript NM_014363.6 (MANE Select); coding-DNA position 2870, one base deleted (C; older notation c.2870delC).
Protein change: p.Pro957fs; shifts the reading frame from proline 957.
Molecular consequence: frameshift variant.
Genome position (GRCh38, 1-based): chr13:23,341,006, G deleted on the plus strand (C on the coding strand, the reverse complement: SACS is on the minus strand); the first of 3 consecutive G bases (chr13:23,341,006-23,341,008); deleting any one gives the same sequence. VCF-style (leftmost placement, unchanged base first): chr13-23341005-TG-T. GRCh37 (hg19) VCF-style: chr13-23915144-TG-T.
Other names: c.2429del, p.Pro810fs (NM_001278055.2); c.2870del (NM_014363.5); short protein forms P957fs, P810fs.
Identifiers: ClinVar variation 370607 (VCV000370607.7), dbSNP rs1057516624, ClinGen allele CA16041645.

ClinVar aggregate classification (germline): Likely pathogenic. Review status: criteria provided, multiple submitters, no conflicts (2 of 4 stars). 3 submissions from 3 submitters: Likely pathogenic (2). 1 of the submissions does not count toward it. Last evaluated 2024-08-16.

Conditions:
Charlevoix-Saguenay spastic ataxia (SACS). Also called: Spastic ataxia of Charlevoix-Saguenay; SPASTIC ATAXIA 6, AUTOSOMAL RECESSIVE; AUTOSOMAL RECESSIVE SPASTIC ATAXIA OF CHARLEVOIX-SAGUENAY. Identifiers: Orphanet 98, MedGen C1849140, MONDO:0010041, OMIM 270550.

Submissions (3):

Natera, Inc.
Classification: Likely pathogenic for Charlevoix-Saguenay type spastic ataxia. Last evaluated: 2024-08-16. Review status: criteria provided, single submitter. Criteria: Natera Variant Classification Schema (03/2026). Collection method: clinical testing. Allele origin: germline.
Comment: The c.2870del variant in SACS is a frameshift variant predicted to shift the reading frame beginning at codon 957 and leads to a stop codon 10 codons downstream. This variant is expected to result in nonsense mediated decay, truncation, or a dysfunctional protein product. This variant is rare in the general population with a frequency below the threshold expected for the associated phenotype(s). Given the available evidence, this variant is classified as Likely Pathogenic.

Revvity Omics, Revvity
Classification: Likely pathogenic for Charlevoix-Saguenay spastic ataxia. Last evaluated: 2021-12-29. Review status: criteria provided, single submitter. Criteria: ACMG Guidelines, 2015. Collection method: clinical testing. Allele origin: germline.

Counsyl
Classification: Likely pathogenic for Charlevoix-Saguenay spastic ataxia. Last evaluated: 2016-03-08. Review status: no assertion criteria provided. Collection method: clinical testing. Allele origin: unknown. Not counted in ClinVar's aggregate classification.